The following is an entry in ClinVar:

NM_001005273.3(CHD3):c.3541A>T (p.Ile1181Phe)

Gene: CHD3 (chromodomain helicase DNA binding protein 3; plus strand). Cytogenetic location: 17p13.1.
Variant type: single nucleotide variant.
Coding change: c.3541A>T on transcript NM_001005273.3 (MANE Select); coding-DNA position 3541, A replaced by T.
Protein change: p.Ile1181Phe; replaces isoleucine 1181 with phenylalanine.
Molecular consequence: missense variant.
Genome position (GRCh38, 1-based): chr17:7,903,317, A>T. VCF-style: chr17-7903317-A-T. GRCh37 (hg19) VCF-style: chr17-7806635-A-T.
Other names: c.3718A>T, p.Ile1240Phe (NM_001005271.3); c.3541A>T, p.Ile1181Phe (NM_005852.4); short protein forms I1181F, I1240F.
Identifiers: ClinVar variation 1285481 (VCV001285481.1), dbSNP rs2151603544, ClinGen allele CA397942132.

ClinVar aggregate classification (germline): Uncertain significance (1 of 4 stars; one submission).

Conditions:
Snijders Blok-Campeau syndrome. Also called: INTELLECTUAL DEVELOPMENTAL DISORDER WITH MACROCEPHALY, SPEECH DELAY, AND DYSMORPHIC FACIES. Identifiers: Orphanet 599082, MedGen C4748701, MONDO:0032600, OMIM 618205.

Submission:

Institute of Human Genetics, University of Leipzig Medical Center
Classification: Uncertain significance for Snijders Blok-Campeau syndrome. Last evaluated: 2020-12-07. Review status: criteria provided, single submitter. Criteria: ACMG Guidelines, 2015. Collection method: clinical testing. Allele origin: de novo. Affected: yes.
Comment: Despite strong evidence for its pathogenicity, this variant has to be classified as of unknown significance, according to the ACMG-criteria (Richards et al., 2015)